The following is an entry in ClinVar:

ClinVar aggregate classification (germline): Uncertain significance. Review status: criteria provided, multiple submitters, no conflicts (2 of 4 stars). 2 submissions from 2 submitters: Uncertain significance (2). Last evaluated 2025-10-28.

Conditions:
Congenital contractural arachnodactyly (CCA). Also called: BEALS SYNDROME; Beals-Hecht syndrome; Arthrogryposis, distal, type 9. Identifiers: Orphanet 115, MedGen C0220668, MONDO:0007363, OMIM 121050.

Allele frequency attached by ClinVar (database versions not stated): ExAC 0.00001; gnomAD 0.00001; TOPMed 0.00001; ESP Exome Variant Server 0.00008.
gnomAD v4.1: 2 of 1,613,954 alleles (0.00012%); highest among the groups gnomAD compares: Non-Finnish European, 0.00017%; no homozygotes.

Submissions (2):

Labcorp Genetics (formerly Invitae), Labcorp
Classification: Uncertain significance for Congenital contractural arachnodactyly. Last evaluated: 2025-10-28. Review status: criteria provided, single submitter. Criteria: Invitae Variant Classification Sherloc (09022015). Collection method: clinical testing. Allele origin: germline.
Comment: This sequence change replaces alanine, which is neutral and non-polar, with valine, which is neutral and non-polar, at codon 2788 of the FBN2 protein (p.Ala2788Val). This variant is present in population databases (rs367769490, gnomAD 0.0009%). This missense change has been observed in individual(s) with Beals syndrome (PMID: 36360262). ClinVar contains an entry for this variant (Variation ID: 1960339). An algorithm developed to predict the effect of missense changes on protein structure and function (PolyPhen-2) suggests that this variant is likely to be tolerated. In summary, the available evidence is currently insufficient to determine the role of this variant in disease. Therefore, it has been classified as a Variant of Uncertain Significance.

Blueprint Genetics
Classification: Uncertain significance. Last evaluated: 2018-03-15. Review status: criteria provided, single submitter. Criteria: ACMG Guidelines, 2015. Collection method: clinical testing. Allele origin: germline.

Literature cited by the submitters: PubMed 36360262 (cited by Labcorp Genetics (formerly Invitae), Labcorp).

NM_001999.4(FBN2):c.8363C>T (p.Ala2788Val)

Gene: FBN2 (fibrillin 2; minus strand). Cytogenetic location: 5q23.3.
Variant type: single nucleotide variant.
Coding change: c.8363C>T on transcript NM_001999.4 (MANE Select); coding-DNA position 8363, C replaced by T.
Protein change: p.Ala2788Val; replaces alanine 2788 with valine.
Molecular consequence: missense variant.
Genome position (GRCh38, 1-based): chr5:128,261,737, G>A on the plus strand (C>T on the coding strand, the complement: FBN2 is on the minus strand). VCF-style: chr5-128261737-G-A. GRCh37 (hg19) VCF-style: chr5-127597429-G-A.
Other names: short protein forms A2788V.
Identifiers: ClinVar variation 1960339 (VCV001960339.6), dbSNP rs367769490, ClinGen allele CA3393843.
Genomic context (GRCh38, chr5:128,261,737, plus strand): 5'-TGTATACATGACTCCGTAGGGATAAAATTTTGTGGCAACACAGAGTGGGATATACTCACA[G>A]CAGTGGGATCAGGTTCATGAATACTTCTCTTCTGCCTGCTGTCTTTCTTAGAATAGCCGT-3'
Protein context (NP_001990.2, residues 2778-2798): KRSIHEPDPT[Ala2788Val]VEQISLESVD